The following is an entry in ClinVar:

NM_001136472.2(LITAF):c.310G>T (p.Val104Leu)

Gene: LITAF (lipopolysaccharide induced TNF factor; minus strand). Cytogenetic location: 16p13.13.
Variant type: single nucleotide variant.
Coding change: c.310G>T on transcript NM_001136472.2 (MANE Select); coding-DNA position 310, G replaced by T.
Protein change: p.Val104Leu; replaces valine 104 with leucine.
Molecular consequence: missense variant. On other transcripts: non-coding transcript variant (1).
Genome position (GRCh38, 1-based): chr16:11,553,600, C>A on the plus strand (G>T on the coding strand, the complement: LITAF is on the minus strand). VCF-style: chr16-11553600-C-A. GRCh37 (hg19) VCF-style: chr16-11647456-C-A.
Other names: c.310G>T, p.Val104Leu (NM_001136473.1, NM_004862.4); short protein forms V104L.
Identifiers: ClinVar variation 970046 (VCV000970046.9), dbSNP rs373445989, ClinGen allele CA394765462.

ClinVar aggregate classification (germline): Uncertain significance (1 of 4 stars; one submission).

Conditions:
Charcot-Marie-Tooth disease type 1C. Also called: CHARCOT-MARIE-TOOTH DISEASE, DEMYELINATING, TYPE 1C; Charcot-Marie-Tooth disease, type IC; CHARCOT-MARIE-TOOTH NEUROPATHY, TYPE 1C; NEUROPATHY, HEREDITARY MOTOR AND SENSORY, TYPE IC; CMT, SLOW NERVE CONDUCTION TYPE C; HMSN IC. Identifiers: Orphanet 101083, MedGen C0270913, MONDO:0010995, OMIM 601098.

gnomAD v4.1: 1 of 1,614,094 alleles (0.000062%); highest among the groups gnomAD compares: Non-Finnish European, 0.000085%; no homozygotes.

Submission:

Labcorp Genetics (formerly Invitae), Labcorp
Classification: Uncertain significance for Charcot-Marie-Tooth disease type 1C. Last evaluated: 2019-10-25. Review status: criteria provided, single submitter. Criteria: Invitae Variant Classification Sherloc (09022015). Collection method: clinical testing. Allele origin: germline.
Comment: This sequence change replaces valine with leucine at codon 104 of the LITAF protein (p.Val104Leu). The valine residue is highly conserved and there is a small physicochemical difference between valine and leucine. This variant is not present in population databases (ExAC no frequency). This variant has not been reported in the literature in individuals with LITAF-related conditions. Algorithms developed to predict the effect of missense changes on protein structure and function are either unavailable or do not agree on the potential impact of this missense change (SIFT: "Tolerated"; PolyPhen-2: "Possibly Damaging"; Align-GVGD: "Class C0"). In summary, the available evidence is currently insufficient to determine the role of this variant in disease. Therefore, it has been classified as a Variant of Uncertain Significance.